The following is an entry in ClinVar:

NM_001363711.2(DUOX2):c.3515+5G>T

Gene: DUOX2 (dual oxidase 2; minus strand). Cytogenetic location: 15q21.1.
Variant type: single nucleotide variant.
Coding change: c.3515+5G>T on transcript NM_001363711.2 (MANE Select); 5 bases into the intron after coding-DNA position 3515, G replaced by T.
Molecular consequence: intron variant.
Genome position (GRCh38, 1-based): chr15:45,099,378, C>A on the plus strand (G>T on the coding strand, the complement: DUOX2 is on the minus strand). VCF-style: chr15-45099378-C-A. GRCh37 (hg19) VCF-style: chr15-45391576-C-A.
Other names: c.3515+5G>T (NM_014080.5).
Identifiers: ClinVar variation 265098 (VCV000265098.12), dbSNP rs375943962, ClinGen allele CA7537852.

ClinVar aggregate classification (germline): Uncertain significance. Review status: criteria provided, multiple submitters, no conflicts (2 of 4 stars). 2 submissions from 2 submitters: Uncertain significance (2). Last evaluated 2026-01-27.

Allele frequency attached by ClinVar (database versions not stated): gnomAD exomes 0.00018; ExAC 0.00020; gnomAD 0.00052 and 0.00057; TOPMed 0.00067; ESP Exome Variant Server 0.00085.
gnomAD v4.1: 142 of 1,613,100 alleles (0.0088%); highest among the groups gnomAD compares: African/African-American, 0.16%; no homozygotes.

Submissions (3):

Labcorp Genetics (formerly Invitae), Labcorp
Classification: Uncertain significance. Last evaluated: 2026-01-27. Review status: criteria provided, single submitter. Criteria: Invitae Variant Classification Sherloc (09022015). Collection method: clinical testing. Allele origin: germline.
Comment: This sequence change falls in intron 26 of the DUOX2 gene. It does not directly change the encoded amino acid sequence of the DUOX2 protein. It affects a nucleotide within the consensus splice site. This variant is present in population databases (rs375943962, gnomAD 0.3%). This variant has been observed in individual(s) with thyroid dyshormonogenesis (PMID: 34248839). ClinVar contains an entry for this variant (Variation ID: 265098). Variants that disrupt the consensus splice site are a relatively common cause of aberrant splicing (PMID: 17576681, 9536098). Algorithms developed to predict the effect of sequence changes on RNA splicing suggest that this variant may disrupt the consensus splice site. In summary, the available evidence is currently insufficient to determine the role of this variant in disease. Therefore, it has been classified as a Variant of Uncertain Significance.

GeneDx
Classification: Uncertain significance. Last evaluated: 2025-09-22. Review status: criteria provided, single submitter. Criteria: GeneDx Variant Classification Process June 2021. Collection method: clinical testing. Allele origin: germline. Affected: yes.
Comment: Identified in the heterozygous state in a patient with thyroid dyshormonogenesis; however, familial segregation information was not included (PMID: 34248839); Intronic variant directly or indirectly altering the +5 splice site in a gene for which loss of function is a known mechanism of disease, and splice predictors support a deleterious effect; This variant is associated with the following publications: (PMID: 31589614, 34248839)

Dr. Peter K. Rogan Lab, Western University
No classification provided (evidence only). Condition: Lung cancer. Review status: no classification provided. Collection method: in vitro. Allele origin: not applicable. Functional consequence: skipped exon. Not counted in ClinVar's aggregate classification.

Literature cited by the submitters: PubMed 34248839 (cited by Labcorp Genetics (formerly Invitae), Labcorp); PubMed 17576681 (cited by Labcorp Genetics (formerly Invitae), Labcorp); PubMed 9536098 (cited by Labcorp Genetics (formerly Invitae), Labcorp).